The following is an entry in ClinVar:

ClinVar aggregate classification (germline): Likely benign. Review status: criteria provided, single submitter (1 of 4 stars). 2 submissions from 2 submitters: Likely benign (1). 1 of the submissions does not count toward it. Last evaluated 2025-08-18.

Conditions:
MKKS-related disorder. Also called: MKKS-related condition; MKKS-related disorders.
Bardet-Biedl syndrome (BBS). Identifiers: Orphanet 110, MedGen C0752166, MONDO:0015229.
McKusick-Kaufman syndrome (MKKS). Also called: HYDROMETROCOLPOS SYNDROME; HYDROMETROCOLPOS, POSTAXIAL POLYDACTYLY, AND CONGENITAL HEART MALFORMATION. Identifiers: Orphanet 2473, MedGen C0948368, MONDO:0009367, OMIM 236700.

gnomAD v4.1: 1 of 1,613,122 alleles (0.000062%); no homozygotes.

Submissions (2):

Labcorp Genetics (formerly Invitae), Labcorp
Classification: Likely benign for McKusick-Kaufman syndrome; Bardet-Biedl syndrome. Last evaluated: 2025-08-18. Review status: criteria provided, single submitter. Criteria: Invitae Variant Classification Sherloc (09022015). Collection method: clinical testing. Allele origin: germline.

PreventionGenetics, part of Exact Sciences
Classification: Likely benign for MKKS-related condition. Last evaluated: 2024-09-12. Review status: no assertion criteria provided. Collection method: clinical testing. Allele origin: germline. Not counted in ClinVar's aggregate classification.
Comment: This variant is classified as likely benign based on ACMG/AMP sequence variant interpretation guidelines (Richards et al. 2015 PMID: 25741868, with internal and published modifications).

NM_170784.3(MKKS):c.136C>T (p.Leu46=)

Gene: MKKS (MKKS centrosomal shuttling protein; minus strand). Cytogenetic location: 20p12.2.
Variant type: single nucleotide variant.
Coding change: c.136C>T on transcript NM_170784.3 (MANE Select); coding-DNA position 136, C replaced by T.
Protein change: p.Leu46=; no amino-acid change (leucine 46 retained).
Molecular consequence: synonymous variant.
Genome position (GRCh38, 1-based): chr20:10,413,379, G>A on the plus strand (C>T on the coding strand, the complement: MKKS is on the minus strand). VCF-style: chr20-10413379-G-A. GRCh37 (hg19) VCF-style: chr20-10394027-G-A.
Other names: c.136C>T, p.Leu46= (NM_018848.3).
Identifiers: ClinVar variation 3347934 (VCV003347934.2).